The following is an entry in ClinVar:

ClinVar aggregate classification (germline): Uncertain significance (1 of 4 stars; one submission).

Allele frequency attached by ClinVar (database versions not stated): gnomAD exomes below 0.00001; gnomAD 0.00001; TOPMed 0.00002.
gnomAD v4.1: 6 of 1,612,838 alleles (0.00037%); highest among the groups gnomAD compares: Non-Finnish European, 0.00051%; no homozygotes.

Submission:

Labcorp Genetics (formerly Invitae), Labcorp
Classification: Uncertain significance. Last evaluated: 2021-11-28. Review status: criteria provided, single submitter. Criteria: Invitae Variant Classification Sherloc (09022015). Collection method: clinical testing. Allele origin: germline.
Comment: In summary, the available evidence is currently insufficient to determine the role of this variant in disease. Therefore, it has been classified as a Variant of Uncertain Significance. Algorithms developed to predict the effect of missense changes on protein structure and function (SIFT, PolyPhen-2, Align-GVGD) all suggest that this variant is likely to be disruptive. This variant has not been reported in the literature in individuals affected with FAM46A-related conditions. This variant is not present in population databases (gnomAD no frequency). This sequence change replaces arginine, which is basic and polar, with leucine, which is neutral and non-polar, at codon 119 of the FAM46A protein (p.Arg119Leu).

NM_017633.3(TENT5A):c.356G>T (p.Arg119Leu)

Gene: TENT5A (terminal nucleotidyltransferase 5A; minus strand). Cytogenetic location: 6q14.1.
Variant type: single nucleotide variant.
Coding change: c.356G>T on transcript NM_017633.3 (MANE Select); coding-DNA position 356, G replaced by T.
Protein change: p.Arg119Leu; replaces arginine 119 with leucine.
Molecular consequence: missense variant.
Genome position (GRCh38, 1-based): chr6:81,751,786, C>A on the plus strand (G>T on the coding strand, the complement: TENT5A is on the minus strand). VCF-style: chr6-81751786-C-A. GRCh37 (hg19) VCF-style: chr6-82461503-C-A.
Other names: short protein forms R119L.
Identifiers: ClinVar variation 1680594 (VCV001680594.5), dbSNP rs1389563786, ClinGen allele CA365034111.